The following is an entry in ClinVar:

NM_015283.2(DPY19L1):c.9G>A (p.Gly3=)

Genes: DPY19L1 (dpy-19 like C-mannosyltransferase 1; minus strand), LOC129998233 (ATAC-STARR-seq lymphoblastoid silent region 18094; plus strand). Cytogenetic location: 7p14.2.
Variant type: single nucleotide variant.
Coding change: c.9G>A on transcript NM_015283.2; coding-DNA position 9, G replaced by A.
Protein change: p.Gly3=; no amino-acid change (glycine 3 retained).
Molecular consequence: synonymous variant.
Genome position (GRCh38, 1-based): chr7:35,037,888, C>T on the plus strand (G>A on the coding strand, the complement: DPY19L1 is on the minus strand). VCF-style: chr7-35037888-C-T. GRCh37 (hg19) VCF-style: chr7-35077500-C-T.
Identifiers: ClinVar variation 4874838 (VCV004874838.2).

ClinVar aggregate classification (germline): Likely benign (1 of 4 stars; one submission).

Submission:

CeGaT Center for Human Genetics Tuebingen
Classification: Likely benign. Last evaluated: 2026-05-01. Review status: criteria provided, single submitter. Criteria: CeGaT Center For Human Genetics Tuebingen Variant Classification Criteria Version 2. Collection method: clinical testing. Allele origin: germline. Affected: yes. Observed: 1 variant allele.
Comment: DPY19L1: PM2:Supporting, BP4, BP7